The following is an entry in ClinVar:

NM_001271.4(CHD2):c.5404C>G (p.Pro1802Ala)

Gene: CHD2 (chromodomain helicase DNA binding protein 2; plus strand). Cytogenetic location: 15q26.1.
Variant type: single nucleotide variant.
Coding change: c.5404C>G on transcript NM_001271.4 (MANE Select); coding-DNA position 5404, C replaced by G.
Protein change: p.Pro1802Ala; replaces proline 1802 with alanine.
Molecular consequence: missense variant.
Genome position (GRCh38, 1-based): chr15:93,024,622, C>G. VCF-style: chr15-93024622-C-G. GRCh37 (hg19) VCF-style: chr15-93567852-C-G.
Other names: short protein forms P1802A.
Identifiers: ClinVar variation 1309014 (VCV001309014.2), dbSNP rs2141761756, ClinGen allele CA393908708.

ClinVar aggregate classification (germline): Uncertain significance (1 of 4 stars; one submission).

Submission:

GeneDx
Classification: Uncertain significance. Last evaluated: 2019-10-06. Review status: criteria provided, single submitter. Criteria: GeneDx Variant Classification Process June 2021. Collection method: clinical testing. Allele origin: germline. Affected: yes.
Comment: Not observed in large population cohorts (Lek et al., 2016); In silico analysis, which includes protein predictors and evolutionary conservation, supports a deleterious effect; Has not been previously published as pathogenic or benign to our knowledge